The following is an entry in ClinVar:

NM_014319.5(LEMD3):c.*1951C>T

Gene: LEMD3 (LEM domain containing 3; plus strand). Cytogenetic location: 12q14.3.
Variant type: single nucleotide variant.
Coding change: c.*1951C>T on transcript NM_014319.5 (MANE Select); 1951 bases downstream of the stop codon, C replaced by T.
Molecular consequence: 3 prime UTR variant.
Genome position (GRCh38, 1-based): chr12:65,248,276, C>T. VCF-style: chr12-65248276-C-T. GRCh37 (hg19) VCF-style: chr12-65642056-C-T.
Other names: c.*1951C>T (NM_001167614.2).
Identifiers: ClinVar variation 310264 (VCV000310264.5), dbSNP rs11175699, ClinGen allele CA10633489.

ClinVar aggregate classification (germline): Benign (1 of 4 stars; one submission).

Conditions:
Dermatofibrosis lenticularis disseminata (BOS). Also called: DERMATOFIBROSIS LENTICULARIS DISSEMINATA WITH OSTEOPOIKILOSIS; DERMATOOSTEOPOIKILOSIS; OSTEOPATHIA CONDENSANS DISSEMINATA. Identifiers: Orphanet 1306, MedGen C0265514, MONDO:0008157, OMIM 166700.

Allele frequency attached by ClinVar (database versions not stated): gnomAD 0.00049 and 0.00081; TOPMed 0.00081; 1000 Genomes Project 0.00499; 1000 Genomes Project 30x 0.00547.

Submission:

Illumina Laboratory Services, Illumina
Classification: Benign for Dermatofibrosis lenticularis disseminata. Last evaluated: 2018-01-13. Review status: criteria provided, single submitter. Criteria: ICSL Variant Classification Criteria 13 December 2019. Collection method: clinical testing. Allele origin: germline.
Comment: This variant was observed in the ICSL laboratory as part of a predisposition screen in an ostensibly healthy population. It had not been previously curated by ICSL or reported in the Human Gene Mutation Database (HGMD: prior to June 1st, 2018), and was therefore a candidate for classification through an automated scoring system. Utilizing variant allele frequency, disease prevalence and penetrance estimates, and inheritance mode, an automated score was calculated to assess if this variant is too frequent to cause the disease. Based on the score and internal cut-off values, a variant classified as benign is not then subjected to further curation. The score for this variant resulted in a classification of benign for this disease.